The following is an entry in ClinVar:

NM_000254.3(MTR):c.2456_2457insCTGTAATCCCAGCACTTTGGGAGGCCGAGGCGGGCGGATCACGAGGTCAGGAGATCGAGACCATCCCGGNNNNNNNNNNAAAAAAAAAAAAAAAAAAAAAAGATACTGAAAGCTGC (p.Ala819_Leu820insCysAsnProSerThrLeuGlyGlyArgGlyGlyArgIleThrArgSerGlyAspArgAspHisProGlyXaaXaaXaaLysLysLysLysLysLysLysArgTyrTer)

Gene: MTR (5-methyltetrahydrofolate-homocysteine methyltransferase; plus strand). Cytogenetic location: 1q43.
Variant type: Insertion.
Coding change: c.2456_2457insCTGTAATCCCAGCACTTTGGGAGGCCGAGGCGGGCGGATCACGAGGTCAGGAGATCGAGACCATCCCGGNNNNNNNNNNAAAAAAAAAAAAAAAAAAAAAAGATACTGAAAGCTGC on transcript NM_000254.3 (MANE Select); coding-DNA positions 2456 to 2457, CTGTAATCCCAGCACTTTGGGAGGCCGAGGCGGGCGGATCACGAGGTCAGGAGATCGAGACCATCCCGGNNNNNNNNNNAAAAAAAAAAAAAAAAAAAAAAGATACTGAAAGCTGC inserted.
Protein change: p.Ala819_Leu820insCysAsnProSerThrLeuGlyGlyArgGlyGlyArgIleThrArgSerGlyAspArgAspHisProGlyXaaXaaXaaLysLysLysLysLysLysLysArgTyrTer.
Molecular consequence: nonsense. On other transcripts: intron variant (1).
Genome position: GRCh38: chr1:236,873,823-236,873,824. GRCh37 (hg19): chr1:237,037,123-237,037,124.
Other names: c.2303_2304insCTGTAATCCCAGCACTTTGGGAGGCCGAGGCGGGCGGATCACGAGGTCAGGAGATCGAGACCATCCCGGNNNNNNNNNNAAAAAAAAAAAAAAAAAAAAAAGATACTGAAAGCTGC, p.Ala768_Leu769insCysAsnProSerThrLeuGlyGlyArgGlyGlyArgIleThrArgSerGlyAspArgAspHisProGlyXaaXaaXaaLysLysLysLysLysLysLysArgTyrTer (NM_001291939.1); c.1235_1236insCTGTAATCCCAGCACTTTGGGAGGCCGAGGCGGGCGGATCACGAGGTCAGGAGATCGAGACCATCCCGGNNNNNNNNNNAAAAAAAAAAAAAAAAAAAAAAGATACTGAAAGCTGC, p.Ala412_Leu413insCysAsnProSerThrLeuGlyGlyArgGlyGlyArgIleThrArgSerGlyAspArgAspHisProGlyXaaXaaXaaLysLysLysLysLysLysLysArgTyrTer (NM_001291940.2); c.2406-6932_2406-6931insCTGTAATCCCAGCACTTTGGGAGGCCGAGGCGGGCGGATCACGAGGTCAGGAGATCGAGACCATCCCGGNNNNNNNNNNAAAAAAAAAAAAAAAAAAAAAAGATACTGAAAGCTGC (NM_001410942.1).
Identifiers: ClinVar variation 3671402 (VCV003671402.2).

ClinVar aggregate classification (germline): Pathogenic (1 of 4 stars; one submission).

Conditions:
Methylcobalamin deficiency type cblG (HMAG). Also called: HOMOCYSTINURIA-MEGALOBLASTIC ANEMIA, cblG TYPE; HOMOCYSTINURIA-MEGALOBLASTIC ANEMIA DUE TO DEFECT IN COBALAMIN METABOLISM, cblG COMPLEMENTATION TYPE; Functional methionine synthase deficiency type cblG; HOMOCYSTINURIA-MEGALOBLASTIC ANEMIA, cblG COMPLEMENTATION TYPE. Identifiers: Orphanet 2170, Orphanet 622, MedGen C1855128, MONDO:0009609, OMIM 250940.

Submission:

Labcorp Genetics (formerly Invitae), Labcorp
Classification: Pathogenic for Methylcobalamin deficiency type cblG. Last evaluated: 2024-08-05. Review status: criteria provided, single submitter. Criteria: Invitae Variant Classification Sherloc (09022015). Collection method: clinical testing. Allele origin: germline.
Comment: This sequence change inserts a large fragment of DNA, likely a transposable element, in exon 23 of the MTR gene (c.2456_2457ins?), causing a frameshift at codon 819 (p.Ala819fs). The exact size and sequence of the insertion cannot be determined by the current assay. However, the insertion is expected to result in an absent or disrupted protein product. This variant is not present in population databases (gnomAD no frequency). This variant has not been reported in the literature in individuals affected with MTR-related conditions. Retrotransposon insertions including LINE1 (L1), Alu, and SVA (SINE-VNTR-Alu) have been reported to be disease-causing through disruption of either a coding region or splice site (PMID: 19763152, 20307669, 22406018) and loss-of-function variants in MTR are known to be pathogenic (PMID: 9683607, 12068375). For these reasons, this variant has been classified as Pathogenic.

Literature cited by the submitters: PubMed 19763152; PubMed 20307669; PubMed 22406018; PubMed 9683607; PubMed 12068375.